The following is an entry in ClinVar:

NM_004304.5(ALK):c.1165C>A (p.Leu389Ile)

Gene: ALK (ALK receptor tyrosine kinase; minus strand). Cytogenetic location: 2p23.2.
Variant type: single nucleotide variant.
Coding change: c.1165C>A on transcript NM_004304.5 (MANE Select); coding-DNA position 1165, C replaced by A.
Protein change: p.Leu389Ile; replaces leucine 389 with isoleucine.
Molecular consequence: missense variant.
Genome position (GRCh38, 1-based): chr2:29,383,849, G>T on the plus strand (C>A on the coding strand, the complement: ALK is on the minus strand). VCF-style: chr2-29383849-G-T. GRCh37 (hg19) VCF-style: chr2-29606715-G-T.
Other names: short protein forms L389I.
Identifiers: ClinVar variation 4827097 (VCV004827097.1).

ClinVar aggregate classification (germline): Uncertain significance (1 of 4 stars; one submission).

Conditions:
Hereditary cancer-predisposing syndrome. Also called: Neoplastic Syndromes, Hereditary; Tumor predisposition; Hereditary Cancer Syndrome; Hereditary neoplastic syndrome. Identifiers: Orphanet 140162, MedGen C0027672, MeSH D009386, MONDO:0015356.

Submission:

Ambry Genetics
Classification: Uncertain significance for Hereditary cancer-predisposing syndrome. Last evaluated: 2026-02-25. Review status: criteria provided, single submitter. Criteria: Ambry Variant Classification Scheme 2023. Collection method: clinical testing. Allele origin: germline.
Comment: The p.L389I variant (also known as c.1165C>A), located in coding exon 5 of the ALK gene, results from a C to A substitution at nucleotide position 1165. The leucine at codon 389 is replaced by isoleucine, an amino acid with highly similar properties. This amino acid position is conserved. In addition, this alteration is predicted to be tolerated by in silico analysis. Based on the available evidence, the clinical significance of this variant remains unclear.